The following is an entry in ClinVar:

NM_182961.4(SYNE1):c.13598T>C (p.Leu4533Pro)

Gene: SYNE1 (spectrin repeat containing nuclear envelope protein 1; minus strand). Cytogenetic location: 6q25.2.
Variant type: single nucleotide variant.
Coding change: c.13598T>C on transcript NM_182961.4 (MANE Select); coding-DNA position 13598, T replaced by C.
Protein change: p.Leu4533Pro; replaces leucine 4533 with proline.
Molecular consequence: missense variant.
Genome position (GRCh38, 1-based): chr6:152,331,087, A>G on the plus strand (T>C on the coding strand, the complement: SYNE1 is on the minus strand). VCF-style: chr6-152331087-A-G. GRCh37 (hg19) VCF-style: chr6-152652222-A-G.
Other names: c.13385T>C, p.Leu4462Pro (NM_033071.5); short protein forms L4533P, L4462P.
Identifiers: ClinVar variation 846858 (VCV000846858.9), dbSNP rs2096237841, ClinGen allele CA366100985.

ClinVar aggregate classification (germline): Uncertain significance (1 of 4 stars; one submission).

Conditions:
Emery-Dreifuss muscular dystrophy 4, autosomal dominant (EDMD4). Also called: EMERY-DREIFUSS MUSCULAR DYSTROPHY 4 WITH VARIABLE FEATURES. Identifiers: Orphanet 261, MedGen C2751807, MONDO:0013071, OMIM 612998.
Autosomal recessive ataxia, Beauce type. Also called: Spinocerebellar ataxia, autosomal recessive 8; ATAXIA, RECESSIVE, OF BEAUCE; SYNE1-Related Autosomal Recessive Cerebellar Ataxia; SYNE1 Deficiency. Identifiers: Orphanet 88644, MedGen C1853116, MONDO:0012549, OMIM 610743.

Allele frequency attached by ClinVar (database versions not stated): gnomAD exomes 0.00001.
gnomAD v4.1: 8 of 1,614,154 alleles (0.0005%); highest among the groups gnomAD compares: Non-Finnish European, 0.00068%; no homozygotes.

Submission:

Labcorp Genetics (formerly Invitae), Labcorp
Classification: Uncertain significance for Emery-Dreifuss muscular dystrophy 4, autosomal dominant; Autosomal recessive ataxia, Beauce type. Last evaluated: 2021-07-20. Review status: criteria provided, single submitter. Criteria: Invitae Variant Classification Sherloc (09022015). Collection method: clinical testing. Allele origin: germline.
Comment: This variant has not been reported in the literature in individuals with SYNE1-related conditions. In summary, the available evidence is currently insufficient to determine the role of this variant in disease. Therefore, it has been classified as a Variant of Uncertain Significance. Algorithms developed to predict the effect of missense changes on protein structure and function (SIFT, PolyPhen-2, Align-GVGD) all suggest that this variant is likely to be disruptive, but these predictions have not been confirmed by published functional studies and their clinical significance is uncertain. This variant is not present in population databases (ExAC no frequency). This sequence change replaces leucine with proline at codon 4462 of the SYNE1 protein (p.Leu4462Pro). The leucine residue is highly conserved and there is a moderate physicochemical difference between leucine and proline.